The following is an entry in ClinVar:

NM_006767.4(LZTR1):c.323C>G (p.Ala108Gly)

Gene: LZTR1 (leucine zipper like post translational regulator 1; plus strand). Cytogenetic location: 22q11.21.
Variant type: single nucleotide variant.
Coding change: c.323C>G on transcript NM_006767.4 (MANE Select); coding-DNA position 323, C replaced by G.
Protein change: p.Ala108Gly; replaces alanine 108 with glycine.
Molecular consequence: missense variant.
Genome position (GRCh38, 1-based): chr22:20,987,506, C>G. VCF-style: chr22-20987506-C-G. GRCh37 (hg19) VCF-style: chr22-21341795-C-G.
Other names: short protein forms A108G.
Identifiers: ClinVar variation 5023783 (VCV005023783.1).

ClinVar aggregate classification (germline): Uncertain significance (1 of 4 stars; one submission).

Conditions:
Cardiovascular phenotype. Identifiers: MedGen CN230736.
Hereditary cancer-predisposing syndrome. Also called: Neoplastic Syndromes, Hereditary; Tumor predisposition; Hereditary neoplastic syndrome; Hereditary Cancer Syndrome. Identifiers: Orphanet 140162, MedGen C0027672, MeSH D009386, MONDO:0015356.

Submission:

Ambry Genetics
Classification: Uncertain significance for Cardiovascular phenotype; Hereditary cancer-predisposing syndrome. Last evaluated: 2026-07-29. Review status: criteria provided, single submitter. Criteria: Ambry Variant Classification Scheme 2023. Collection method: clinical testing. Allele origin: germline.
Comment: The p.A108G variant (also known as c.323C>G), located in coding exon 4 of the LZTR1 gene, results from a C to G substitution at nucleotide position 323. The alanine at codon 108 is replaced by glycine, an amino acid with similar properties. This amino acid position is conserved. In addition, this alteration is predicted to be tolerated by in silico analysis. Based on the available evidence, the clinical significance of this variant remains unclear.